The following is an entry in ClinVar:

NM_177438.3(DICER1):c.5241G>T (p.Ser1747=)

Gene: DICER1 (dicer 1, ribonuclease III; minus strand). Cytogenetic location: 14q32.13.
Variant type: single nucleotide variant.
Coding change: c.5241G>T on transcript NM_177438.3 (MANE Select); coding-DNA position 5241, G replaced by T.
Protein change: p.Ser1747=; no amino-acid change (serine 1747 retained).
Molecular consequence: synonymous variant.
Genome position (GRCh38, 1-based): chr14:95,094,011, C>A on the plus strand (G>T on the coding strand, the complement: DICER1 is on the minus strand). VCF-style: chr14-95094011-C-A. GRCh37 (hg19) VCF-style: chr14-95560348-C-A.
Other names: c.5241G>T, p.Ser1747= (NM_001195573.1, NM_001271282.3, NM_001291628.2 and 1 more transcripts); c.5241G>T (NM_177438.2).
Identifiers: ClinVar variation 1570504 (VCV001570504.11), dbSNP rs114861074, ClinGen allele CA487843852.

ClinVar aggregate classification (germline): Benign/Likely benign. Review status: criteria provided, multiple submitters, no conflicts (2 of 4 stars). 3 submissions from 3 submitters: Benign (1); Likely benign (2). Last evaluated 2026-04-20.

Conditions:
DICER1-related tumor predisposition. Also called: DICER1-related pleuropulmonary blastoma cancer predisposition syndrome; DICER1 syndrome. Identifiers: Orphanet 284343, MedGen C3839822, MONDO:0100216.
Hereditary cancer-predisposing syndrome. Also called: Neoplastic Syndromes, Hereditary; Tumor predisposition; Hereditary Cancer Syndrome; Hereditary neoplastic syndrome. Identifiers: Orphanet 140162, MedGen C0027672, MeSH D009386, MONDO:0015356.

gnomAD v4.1: 1 of 1,613,980 alleles (0.000062%); highest among the groups gnomAD compares: East Asian, 0.0022%; no homozygotes.

Submissions (3):

Myriad Genetics, Inc.
Classification: Benign for DICER1-related tumor predisposition. Last evaluated: 2026-04-20. Review status: criteria provided, single submitter. Criteria: Myriad Autosomal Dominant, Autosomal Recessive and X-Linked Classification Criteria (2023). Collection method: clinical testing. Allele origin: unknown.
Comment: This variant is considered benign. This variant is a silent/synonymous amino acid change and it is not expected to impact splicing.

Labcorp Genetics (formerly Invitae), Labcorp
Classification: Likely benign for DICER1-related tumor predisposition. Last evaluated: 2024-04-02. Review status: criteria provided, single submitter. Criteria: Invitae Variant Classification Sherloc (09022015). Collection method: clinical testing. Allele origin: germline.

Ambry Genetics
Classification: Likely benign for Hereditary cancer-predisposing syndrome. Last evaluated: 2024-03-09. Review status: criteria provided, single submitter. Criteria: Ambry Variant Classification Scheme 2023. Collection method: clinical testing. Allele origin: germline.